The following is an entry in ClinVar:

NM_000214.3(JAG1):c.1312dup (p.Cys438fs)

Gene: JAG1 (jagged canonical Notch ligand 1; minus strand). Cytogenetic location: 20p12.2.
Variant type: Duplication.
Coding change: c.1312dup on transcript NM_000214.3 (MANE Select); coding-DNA position 1312, one base duplicated (T; older notation c.1312dupT).
Protein change: p.Cys438fs; shifts the reading frame from cysteine 438.
Molecular consequence: frameshift variant.
Genome position (GRCh38, 1-based): chr20:10,649,558, A duplicated on the plus strand (T on the coding strand, the reverse complement: JAG1 is on the minus strand). VCF-style (leftmost placement, unchanged base first): chr20-10649557-C-CA. GRCh37 (hg19) VCF-style: chr20-10630205-C-CA.
Other names: short protein forms C438fs.
Identifiers: ClinVar variation 1071992 (VCV001071992.7), dbSNP rs2122610459, ClinGen allele CA2499225674.
Genomic context (GRCh38, chr20:10,649,557, plus strand): 5'-TCAAAATGGAAACAAAGTCACTCACTTATGTCACAATTCTGACCCATCCAGCCGGGAAGA[C>CA]AGTCGCAGTAGTAGCTGGCAATGAGATTCTTACAGGATTTGGCGTTTACACAAGGTTTGG-3'

ClinVar aggregate classification (germline): Pathogenic (1 of 4 stars; one submission).

Conditions:
Alagille syndrome due to a JAG1 point mutation. Also called: HEPATIC DUCTULAR HYPOPLASIA, SYNDROMATIC; JAG1-Related Alagille Syndrome; Alagille Syndrome 1. Identifiers: Orphanet 261619, Orphanet 52, MedGen C1956125, MONDO:0016862, OMIM 118450.

Submission:

Labcorp Genetics (formerly Invitae), Labcorp
Classification: Pathogenic for Alagille syndrome due to a JAG1 point mutation. Last evaluated: 2018-05-07. Review status: criteria provided, single submitter. Criteria: Invitae Variant Classification Sherloc (09022015). Collection method: clinical testing. Allele origin: germline.
Comment: For these reasons, this variant has been classified as Pathogenic. Loss-of-function variants in JAG1 are known to be pathogenic (PMID: 11180599). This variant has not been reported in the literature in individuals with JAG1-related disease. This variant is not present in population databases (ExAC no frequency). This sequence change creates a premature translational stop signal (p.Cys438Leufs*11) in the JAG1 gene. It is expected to result in an absent or disrupted protein product.

Literature cited by the submitters: PubMed 11180599.